The following is an entry in ClinVar:

ClinVar aggregate classification (germline): Likely benign. Review status: criteria provided, multiple submitters, no conflicts (2 of 4 stars). 4 submissions from 4 submitters: Likely benign (4). Last evaluated 2024-01-02.

Conditions:
Hereditary breast ovarian cancer syndrome. Also called: Breast and ovarian cancer; Hereditary breast and/or ovarian cancer syndrome; BRCA1- and BRCA2-Associated Hereditary Breast and Ovarian Cancer; Hereditary breast and ovarian cancer syndrome; Hereditary breast and ovarian cancer syndrome (HBOC); Hereditary breast and ovarian cancer. Identifiers: Orphanet 145, MedGen C0677776, MeSH D061325, MONDO:0003582. Disease mechanism: loss of function.
Breast-ovarian cancer, familial, susceptibility to, 1 (BROVCA1). Also called: BRCA1 Hereditary Breast and Ovarian Cancer; OVARIAN CANCER, SUSCEPTIBILITY TO. Identifiers: Orphanet 145, MedGen C2676676, MONDO:0011450, OMIM 604370. Disease mechanism: loss of function.
Hereditary cancer-predisposing syndrome. Also called: Tumor predisposition; Hereditary Cancer Syndrome; Hereditary neoplastic syndrome; Neoplastic Syndromes, Hereditary. Identifiers: Orphanet 140162, MedGen C0027672, MeSH D009386, MONDO:0015356.

Allele frequency attached by ClinVar (database versions not stated): gnomAD exomes below 0.00001 and 0.00001; TOPMed 0.00001; gnomAD 0.00001.
gnomAD v4.1: 4 of 1,604,690 alleles (0.00025%); highest among the groups gnomAD compares: Non-Finnish European, 0.00026%; no homozygotes.

Submissions (5):

Labcorp Genetics (formerly Invitae), Labcorp
Classification: Likely benign for Hereditary breast ovarian cancer syndrome. Last evaluated: 2024-01-02. Review status: criteria provided, single submitter. Criteria: Invitae Variant Classification Sherloc (09022015). Collection method: clinical testing. Allele origin: germline.

All of Us Research Program, National Institutes of Health
Classification: Likely benign for Breast-ovarian cancer, familial, susceptibility to, 1. Last evaluated: 2023-08-23. Review status: criteria provided, single submitter. Criteria: ACMG Guidelines, 2015. Collection method: clinical testing. Allele origin: germline. Inheritance: Autosomal dominant inheritance. Observed: 1 variant allele, 1 heterozygote.
Comment: This study involves interpretation of variants in research participants for the purpose of population health screening. Participant phenotype was not available at the time of variant classification. Additional details can be found in publication PMID: 35346344, PMCID: PMC8962531

Ambry Genetics
Classification: Likely benign for Hereditary cancer-predisposing syndrome. Last evaluated: 2023-08-22. Review status: criteria provided, single submitter. Criteria: Ambry Variant Classification Scheme 2023. Collection method: clinical testing. Allele origin: germline.

Color Diagnostics, LLC DBA Color Health
Classification: Likely benign for Hereditary cancer-predisposing syndrome. Last evaluated: 2018-11-05. Review status: criteria provided, single submitter. Criteria: ACMG Guidelines, 2015. Collection method: clinical testing. Allele origin: germline.

Brotman Baty Institute, University of Washington
No classification provided (evidence only). Condition: Breast-ovarian cancer, familial 1. Review status: no classification provided. Collection method: in vitro. Allele origin: not applicable. Functional consequence: functionally_normal. Not counted in ClinVar's aggregate classification.
ClinVar note: "not provided" was previously submitted as the classification for the variant. However, the classification appeared to be based only on an observation of functional data so it was converted to no classification on 2025-07-30.

Literature cited by the submitters: PubMed 30209399 (cited by Ambry Genetics).

NM_007294.4(BRCA1):c.183T>C (p.Cys61=)

Gene: BRCA1 (BRCA1 DNA repair associated; minus strand). Cytogenetic location: 17q21.31.
Variant type: single nucleotide variant.
Coding change: c.183T>C on transcript NM_007294.4 (MANE Select); coding-DNA position 183, T replaced by C.
Protein change: p.Cys61=; no amino-acid change (cysteine 61 retained).
Molecular consequence: synonymous variant. On other transcripts: 5 prime UTR variant (61), intron variant (34).
Genome position (GRCh38, 1-based): chr17:43,106,485, A>G on the plus strand (T>C on the coding strand, the complement: BRCA1 is on the minus strand). VCF-style: chr17-43106485-A-G. GRCh37 (hg19) VCF-style: chr17-41258502-A-G.
Other names: c.-6T>C (NM_001407571.1, NM_001407853.1, NM_001407879.1 and 58 more transcripts); c.183T>C, p.Cys61= (NM_001407581.1, NM_001407582.1, NM_001407583.1 and 168 more transcripts); c.42T>C, p.Cys14= (NM_001407692.1, NM_001407694.1, NM_001407695.1 and 99 more transcripts); c.-218-11625T>C (NM_001407967.1, NM_001407966.1); c.-169-1529T>C (NM_001407959.1, NM_001407962.1, NM_001408512.1 and 4 more transcripts); c.81-1529T>C (NM_001408451.1); c.135-1529T>C (NM_001408475.1, NM_001407875.1, NM_001407659.1 and 21 more transcripts).
Identifiers: ClinVar variation 531482 (VCV000531482.19), dbSNP rs895070717, ClinGen allele CA290818910.